The following is an entry in ClinVar:

NM_002693.3(POLG):c.3285C>G (p.Ser1095Arg)

Gene: POLG (DNA polymerase gamma, catalytic subunit; minus strand). Cytogenetic location: 15q26.1.
Variant type: single nucleotide variant.
Coding change: c.3285C>G on transcript NM_002693.3 (MANE Select); coding-DNA position 3285, C replaced by G.
Protein change: p.Ser1095Arg; replaces serine 1095 with arginine.
Molecular consequence: missense variant.
Genome position (GRCh38, 1-based): chr15:89,318,738, G>C on the plus strand (C>G on the coding strand, the complement: POLG is on the minus strand). VCF-style: chr15-89318738-G-C. GRCh37 (hg19) VCF-style: chr15-89861969-G-C.
Other names: c.3285C>G, p.Ser1095Arg (NM_001126131.2); short protein forms S1095R.
Identifiers: ClinVar variation 381517 (VCV000381517.8), dbSNP rs761649878, ClinGen allele CA7724170.

ClinVar aggregate classification (germline): Pathogenic/Likely pathogenic. Review status: criteria provided, multiple submitters, no conflicts (2 of 4 stars). 5 submissions from 5 submitters: Pathogenic (2); Likely pathogenic (3). Last evaluated 2025-10-21.

Conditions:
POLG-related disorder. Also called: POLG-related condition; POLG-Related Disorders; POLG-Related Spectrum Disorders. Identifiers: MedGen C4763519.
Progressive sclerosing poliodystrophy (MTDPS4A). Also called: ALPERS PROGRESSIVE INFANTILE POLIODYSTROPHY; NEURONAL DEGENERATION OF CHILDHOOD WITH LIVER DISEASE, PROGRESSIVE; Alpers-Huttenlocher Syndrome (AHS); Alpers Syndrome; Mitochondrial DNA Depletion Syndrome 4A; ALPERS DIFFUSE DEGENERATION OF CEREBRAL GRAY MATTER WITH HEPATIC CIRRHOSIS. Identifiers: Orphanet 726, MedGen C0205710, MONDO:0008758, OMIM 203700.

Allele frequency attached by ClinVar (database versions not stated): TOPMed below 0.00001; ExAC 0.00001; gnomAD exomes 0.00001.
gnomAD v4.1: 9 of 1,613,936 alleles (0.00056%); highest among the groups gnomAD compares: African/African-American, 0.0013%; no homozygotes.

Submissions (5):

Labcorp Genetics (formerly Invitae), Labcorp
Classification: Pathogenic for Progressive sclerosing poliodystrophy. Last evaluated: 2025-10-21. Review status: criteria provided, single submitter. Criteria: Invitae Variant Classification Sherloc (09022015). Collection method: clinical testing. Allele origin: germline.
Comment: This sequence change replaces serine, which is neutral and polar, with arginine, which is basic and polar, at codon 1095 of the POLG protein (p.Ser1095Arg). This variant is present in population databases (rs761649878, gnomAD 0.007%). This missense change has been observed in individual(s) with autosomal recessive POLG-related conditions (PMID: 19578034, 25286830). In at least one individual the data is consistent with being in trans (on the opposite chromosome) from a pathogenic variant. This variant has been reported in individual(s) with autosomal dominant progressive external ophthalmoplegia (PMID: 18546365); however, the role of the variant in this condition is currently unclear. ClinVar contains an entry for this variant (Variation ID: 381517). Invitae Evidence Modeling of protein sequence and biophysical properties (such as structural, functional, and spatial information, amino acid conservation, physicochemical variation, residue mobility, and thermodynamic stability) indicates that this missense variant is expected to disrupt POLG protein function with a positive predictive value of 95%. For these reasons, this variant has been classified as Pathogenic.

Women's Health and Genetics/Laboratory Corporation of America, LabCorp
Classification: Likely pathogenic for POLG-related disorder. Last evaluated: 2023-12-12. Review status: criteria provided, single submitter. Criteria: LabCorp Variant Classification Summary - May 2015. Collection method: clinical testing. Allele origin: germline.
Comment: Variant summary: POLG c.3285C>G (p.Ser1095Arg) results in a non-conservative amino acid change located in the DNA-directed DNA polymerase, family A, palm domain (IPR001098) of the encoded protein sequence. Five of five in-silico tools predict a damaging effect of the variant on protein function. The variant allele was found at a frequency of 1.2e-05 in 251294 control chromosomes (gnomAD). c.3285C>G has been reported in the literature in individuals affected with POLG-Related Spectrum Disorders (Wong_2008, Blok_2009, Tang_2011, Horst_2014, Bereau_2016), and some were compound heterozygous with other pathogenic variants. These data indicate that the variant is likely to be associated with disease. To our knowledge, no experimental evidence demonstrating an impact on protein function has been reported. The following publications have been ascertained in the context of this evaluation (PMID: 18546365, 19578034, 25286830, 21880868, 27538604). Two submitters have cited clinical-significance assessments for this variant to ClinVar after 2014. Both submitters classified the variant as pathogenic/likely pathogenic. Based on the evidence outlined above, the variant was classified as likely pathogenic.

Baylor Genetics
Classification: Likely pathogenic for Progressive sclerosing poliodystrophy. Last evaluated: 2023-09-28. Review status: criteria provided, single submitter. Criteria: ACMG Guidelines, 2015. Collection method: clinical testing. Allele origin: unknown.

Wong Mito Lab, Molecular and Human Genetics, Baylor College of Medicine
Classification: Pathogenic for Progressive sclerosing poliodystrophy. Last evaluated: 2018-10-01. Review status: criteria provided, single submitter. Criteria: ACMG Guidelines, 2015. Collection method: clinical testing. Allele origin: germline.
Comment: The NM_002693.2:c.3285C>G (NP_002684.1:p.Ser1095Arg) [GRCH38: NC_000015.10:g.89318738G>C] variant in POLG gene is interpretated to be a Pathogenic based on ACMG guidelines (PMID: 25741868). This variant has been reported in PMID:19578034 . This variant meets the following evidence codes reported in the ACMG-guideline. PS1:This variation causes same amino-acid change as an established pathogenic variant. PM2:This variant is absent in key population databases. PM3:Detected in trans with a pathogenic variant for Mitochondrial DNA depletion syndrome 4A (Alpers type) which is a recessive disorder. PP1:This variant is co-segregated with Mitochondrial DNA depletion syndrome 4A (Alpers type) in multiple affected family members. PP2:This is a missense variant in POLG with a low rate of benign and high rate of pathogenic missense variations. PP4:Patient's phenotype or family history is highly specific for POLG. Based on the evidence criteria codes applied, the variant is suggested to be Pathogenic.

GeneDx
Classification: Likely pathogenic. Last evaluated: 2017-08-28. Review status: criteria provided, single submitter. Criteria: GeneDx Variant Classification (06012015). Collection method: clinical testing. Allele origin: germline. Affected: yes.
Comment: The S1095R variant in the POLG gene has been reported previously in the compound heterozygous state, opposite of a second POLG pathogenic variant, in several unrelated children who presented with myocerebrohepatopathy spectrum (Horst et al., 2014; Tang et al., 2011; Blok et al., 2009). Additionally, the S1095R variant was reported in the heterozygous state in an adult with with ptosis, hearing loss, muscle weakness and optic atrophy (Wong et al., 2008). The S1095R variant was not observed in approximately 6,500 individuals of European and African American ancestry in the NHLBI Exome Sequencing Project, indicating it is not a common benign variant in these populations. The S1095R variant is a semi-conservative amino acid substitution, which may impact secondary protein structure as these residues differ in some properties. This substitution occurs at a position that is conserved across species. In silico analysis predicts this variant is probably damaging to the protein structure/function. The S1095R variant is a strong candidate for a pathogenic variant, however the possibility it may be a rare benign variant cannot be excluded.

Literature cited by the submitters: PubMed 19578034 (cited by 3 submitters); PubMed 25286830 (cited by Labcorp Genetics (formerly Invitae), Labcorp and Women's Health and Genetics/Laboratory Corporation of America, LabCorp); PubMed 18546365 (cited by Labcorp Genetics (formerly Invitae), Labcorp and Women's Health and Genetics/Laboratory Corporation of America, LabCorp); PubMed 21880868 (cited by Women's Health and Genetics/Laboratory Corporation of America, LabCorp); PubMed 27538604 (cited by Women's Health and Genetics/Laboratory Corporation of America, LabCorp).